The following is an entry in ClinVar:

ClinVar aggregate classification (germline): Likely benign. Review status: criteria provided, multiple submitters, no conflicts (2 of 4 stars). 3 submissions from 3 submitters: Likely benign (3). Last evaluated 2024-11-10.

Submissions (3):

Labcorp Genetics (formerly Invitae), Labcorp
Classification: Likely benign. Last evaluated: 2024-11-10. Review status: criteria provided, single submitter. Criteria: Invitae Variant Classification Sherloc (09022015). Collection method: clinical testing. Allele origin: germline.

Women's Health and Genetics/Laboratory Corporation of America, LabCorp
Classification: Likely benign. Last evaluated: 2024-03-27. Review status: criteria provided, single submitter. Criteria: LabCorp Variant Classification Summary - May 2015. Collection method: clinical testing. Allele origin: germline.

GeneDx
Classification: Likely benign. Last evaluated: 2018-04-19. Review status: criteria provided, single submitter. Criteria: GeneDx Variant Classification (06012015). Collection method: clinical testing. Allele origin: germline. Affected: yes.
Comment: This variant is considered likely benign or benign based on one or more of the following criteria: it is a conservative change, it occurs at a poorly conserved position in the protein, it is predicted to be benign by multiple in silico algorithms, and/or has population frequency not consistent with disease.

NM_001854.4(COL11A1):c.1945-19C>T

Gene: COL11A1 (collagen type XI alpha 1 chain; minus strand). Cytogenetic location: 1p21.1.
Variant type: single nucleotide variant.
Coding change: c.1945-19C>T on transcript NM_001854.4 (MANE Select); 19 bases into the intron before coding-DNA position 1945, C replaced by T.
Molecular consequence: intron variant.
Genome position (GRCh38, 1-based): chr1:103,003,287, G>A on the plus strand (C>T on the coding strand, the complement: COL11A1 is on the minus strand). VCF-style: chr1-103003287-G-A. GRCh37 (hg19) VCF-style: chr1-103468843-G-A.
Other names: c.1828-19C>T (NM_001190709.2); c.1981-19C>T (NM_080629.3); c.1597-19C>T (NM_080630.4).
Identifiers: ClinVar variation 682204 (VCV000682204.6), dbSNP rs1571000550, ClinGen allele CA915941372.
Genomic context (GRCh38, chr1:103,003,287, plus strand): 5'-AGCTCCTGGAGTTCCCCTTGGACCCAGCAAACCTCGTGGGCCCTAGGAGAAAAAGAAAAA[G>A]CACGCCTTTATTAAAAAAAAAAAATGTCCTAATAACATGCCTCTTTCAATGAAGAAATCC-3'